The following is an entry in ClinVar:

ClinVar aggregate classification (germline): Uncertain significance (1 of 4 stars; one submission).

Allele frequency attached by ClinVar (database versions not stated): TOPMed below 0.00001; gnomAD 0.00001; gnomAD exomes 0.00002.
gnomAD v4.1: 13 of 1,573,006 alleles (0.00083%); highest among the groups gnomAD compares: East Asian, 0.0023%; no homozygotes.

Submission:

Labcorp Genetics (formerly Invitae), Labcorp
Classification: Uncertain significance. Last evaluated: 2022-07-19. Review status: criteria provided, single submitter. Criteria: Invitae Variant Classification Sherloc (09022015). Collection method: clinical testing. Allele origin: germline.
Comment: In summary, the available evidence is currently insufficient to determine the role of this variant in disease. Therefore, it has been classified as a Variant of Uncertain Significance. Algorithms developed to predict the effect of missense changes on protein structure and function are either unavailable or do not agree on the potential impact of this missense change (SIFT: "Tolerated"; PolyPhen-2: "Probably Damaging"; Align-GVGD: "Class C0"). This variant has not been reported in the literature in individuals affected with NDUFA11-related conditions. The frequency data for this variant in the population databases is considered unreliable, as metrics indicate poor data quality at this position in the gnomAD database. This sequence change replaces glycine, which is neutral and non-polar, with arginine, which is basic and polar, at codon 97 of the NDUFA11 protein (p.Gly97Arg).

NM_175614.5(NDUFA11):c.289G>A (p.Gly97Arg)

Gene: NDUFA11 (NADH:ubiquinone oxidoreductase subunit A11; minus strand). Cytogenetic location: 19p13.3.
Variant type: single nucleotide variant.
Coding change: c.289G>A on transcript NM_175614.5 (MANE Select); coding-DNA position 289, G replaced by A.
Protein change: p.Gly97Arg; replaces glycine 97 with arginine.
Molecular consequence: missense variant. On other transcripts: non-coding transcript variant (1).
Genome position (GRCh38, 1-based): chr19:5,896,477, C>T on the plus strand (G>A on the coding strand, the complement: NDUFA11 is on the minus strand). VCF-style: chr19-5896477-C-T. GRCh37 (hg19) VCF-style: chr19-5896488-C-T.
Other names: c.289G>A, p.Gly97Arg (NM_001193375.3); short protein forms G97R.
Identifiers: ClinVar variation 1924441 (VCV001924441.5), dbSNP rs908949601, ClinGen allele CA304693560.
Genomic context (GRCh38, chr19:5,896,477, plus strand): 5'-TGGGAGGAGGGTGGGGGTGGGGAGGGGGCCACTCACTGCGTGCTCCCAGAGTCAGGCCTC[C>T]GGCGCAGCCACCGAGGAAGTAGTTCAGGGGGTCGTCGGGCTTCTCGCGGACATGGGCGCT-3'
Protein context (NP_783313.1, residues 87-107): PLNYFLGGCA[Gly97Arg]GLTLGARTHN